The following is an entry in ClinVar:

ClinVar aggregate classification (germline): Benign/Likely benign. Review status: criteria provided, multiple submitters, no conflicts (2 of 4 stars). 3 submissions from 3 submitters: Benign (2); Likely benign (1). Last evaluated 2025-09-29.

Conditions:
Dowling-Degos disease 2 (DDD2). Identifiers: Orphanet 79145, MedGen C3809147, MONDO:0014130, OMIM 615327.

Allele frequency attached by ClinVar (database versions not stated): gnomAD 0.00283 and 0.00256; TOPMed 0.00304; ESP Exome Variant Server 0.00446; gnomAD exomes 0.00029 and 0.00075; ExAC 0.00106; 1000 Genomes Project 0.00240; 1000 Genomes Project 30x 0.00265.
gnomAD v4.1: 816 of 1,614,174 alleles (0.051%); highest among the groups gnomAD compares: African/African-American, 0.99%; 9 homozygotes.

Submissions (4):

Labcorp Genetics (formerly Invitae), Labcorp
Classification: Benign for Dowling-Degos disease 2. Last evaluated: 2025-09-29. Review status: criteria provided, single submitter. Criteria: Invitae Variant Classification Sherloc (09022015). Collection method: clinical testing. Allele origin: germline.

CeGaT Center for Human Genetics Tuebingen
Classification: Likely benign. Last evaluated: 2023-02-01. Review status: criteria provided, single submitter. Criteria: CeGaT Center For Human Genetics Tuebingen Variant Classification Criteria Version 2. Collection method: clinical testing. Allele origin: germline. Affected: yes. Observed: 1 variant allele.
Comment: POFUT1: BP4, BP7, BS2

Breakthrough Genomics
Classification: Benign. Review status: criteria provided, single submitter. Criteria: ACMG Guidelines, 2015. Collection method: not provided. Allele origin: germline. Inheritance: Autosomal dominant inheritance. Affected: yes.

Dr. Peter K. Rogan Lab, Western University
No classification provided (evidence only). Condition: Ovarian serous cystadenocarcinoma. Review status: no classification provided. Collection method: in vitro. Allele origin: not applicable. Functional consequence: retained intron. Not counted in ClinVar's aggregate classification.

NM_015352.2(POFUT1):c.900G>A (p.Ser300=)

Gene: POFUT1 (protein O-fucosyltransferase 1; plus strand). Cytogenetic location: 20q11.21.
Variant type: single nucleotide variant.
Coding change: c.900G>A on transcript NM_015352.2 (MANE Select); coding-DNA position 900, G replaced by A.
Protein change: p.Ser300=; no amino-acid change (serine 300 retained).
Molecular consequence: synonymous variant.
Genome position (GRCh38, 1-based): chr20:32,230,983, G>A. VCF-style: chr20-32230983-G-A. GRCh37 (hg19) VCF-style: chr20-30818786-G-A.
Identifiers: ClinVar variation 710154 (VCV000710154.36), dbSNP rs78861748, ClinGen allele CA9807426.